The following is an entry in ClinVar:

NM_138694.4(PKHD1):c.1714G>A (p.Asp572Asn)

Gene: PKHD1 (PKHD1 ciliary IPT domain containing fibrocystin/polyductin; minus strand). Cytogenetic location: 6p12.2.
Variant type: single nucleotide variant.
Coding change: c.1714G>A on transcript NM_138694.4 (MANE Select); coding-DNA position 1714, G replaced by A.
Protein change: p.Asp572Asn; replaces aspartic acid 572 with asparagine.
Molecular consequence: missense variant.
Genome position (GRCh38, 1-based): chr6:52,055,709, C>T on the plus strand (G>A on the coding strand, the complement: PKHD1 is on the minus strand). VCF-style: chr6-52055709-C-T. GRCh37 (hg19) VCF-style: chr6-51920507-C-T.
Other names: c.1714G>A, p.Asp572Asn (NM_170724.3); short protein forms D572N.
Identifiers: ClinVar variation 3009817 (VCV003009817.3), dbSNP rs1807614116, ClinGen allele CA364424802.

ClinVar aggregate classification (germline): Uncertain significance (1 of 4 stars; one submission).

Conditions:
Autosomal recessive polycystic kidney disease (ARPKD). Also called: AR polycystic kidney disease. Identifiers: Orphanet 731, Orphanet 8378, MedGen C0085548, MeSH D017044, MONDO:0009889.

Allele frequency attached by ClinVar (database versions not stated): TOPMed below 0.00001.

Submission:

Labcorp Genetics (formerly Invitae), Labcorp
Classification: Uncertain significance for Autosomal recessive polycystic kidney disease. Last evaluated: 2024-12-02. Review status: criteria provided, single submitter. Criteria: Invitae Variant Classification Sherloc (09022015). Collection method: clinical testing. Allele origin: germline.
Comment: This sequence change replaces aspartic acid, which is acidic and polar, with asparagine, which is neutral and polar, at codon 572 of the PKHD1 protein (p.Asp572Asn). This variant is not present in population databases (gnomAD no frequency). This variant has not been reported in the literature in individuals affected with PKHD1-related conditions. ClinVar contains an entry for this variant (Variation ID: 3009817). Invitae Evidence Modeling of protein sequence and biophysical properties (such as structural, functional, and spatial information, amino acid conservation, physicochemical variation, residue mobility, and thermodynamic stability) indicates that this missense variant is not expected to disrupt PKHD1 protein function with a negative predictive value of 95%. In summary, the available evidence is currently insufficient to determine the role of this variant in disease. Therefore, it has been classified as a Variant of Uncertain Significance.